The following is an entry in ClinVar:

NM_006915.3(RP2):c.412_434del (p.Glu138fs)

Gene: RP2 (RP2 activator of ARL3 GTPase; plus strand). Cytogenetic location: Xp11.3.
Variant type: Deletion.
Coding change: c.412_434del on transcript NM_006915.3 (MANE Select); coding-DNA positions 412 to 434, 23 bases deleted (GAGTCTTCCTCAAATATCAAATT).
Protein change: p.Glu138fs; shifts the reading frame from glutamic acid 138.
Molecular consequence: frameshift variant.
Genome position (GRCh38, 1-based): chrX:46,853,785-46,853,807, GAGTCTTCCTCAAATATCAAATT deleted; deleting any 23 consecutive bases within chrX:46,853,782-46,853,807 gives the same sequence; the c. name uses the placement nearest the transcript's 3' end. VCF-style (leftmost placement, unchanged base first): chrX-46853781-CATTGAGTCTTCCTCAAATATCAA-C. GRCh37 (hg19) VCF-style: chrX-46713216-CATTGAGTCTTCCTCAAATATCAA-C.
Other names: short protein forms E138fs.
Identifiers: ClinVar variation 862823 (VCV000862823.7), dbSNP rs1924904684, ClinGen allele CA916083941.

ClinVar aggregate classification (germline): Pathogenic (1 of 4 stars; one submission).

Submission:

Labcorp Genetics (formerly Invitae), Labcorp
Classification: Pathogenic. Last evaluated: 2025-09-02. Review status: criteria provided, single submitter. Criteria: Invitae Variant Classification Sherloc (09022015). Collection method: clinical testing. Allele origin: germline.
Comment: This sequence change creates a premature translational stop signal (p.Glu138Trpfs*9) in the RP2 gene. It is expected to result in an absent or disrupted protein product. Loss-of-function variants in RP2 are known to be pathogenic (PMID: 11992260, 20625056). This variant is not present in population databases (gnomAD no frequency). This variant has not been reported in the literature in individuals affected with RP2-related conditions. ClinVar contains an entry for this variant (Variation ID: 862823). For these reasons, this variant has been classified as Pathogenic.

Literature cited by the submitters: PubMed 11992260; PubMed 20625056.